The following is an entry in ClinVar:

NM_004991.4(MECOM):c.923G>A (p.Arg308His)

Gene: MECOM (MDS1 and EVI1 complex locus; minus strand). Cytogenetic location: 3q26.2.
Variant type: single nucleotide variant.
Coding change: c.923G>A on transcript NM_004991.4 (MANE Select); coding-DNA position 923, G replaced by A.
Protein change: p.Arg308His; replaces arginine 308 with histidine.
Molecular consequence: missense variant.
Genome position (GRCh38, 1-based): chr3:169,122,635, C>T on the plus strand (G>A on the coding strand, the complement: MECOM is on the minus strand). VCF-style: chr3-169122635-C-T. GRCh37 (hg19) VCF-style: chr3-168840423-C-T.
Other names: c.923G>A (NM_004991.3); c.551G>A, p.Arg184His (NM_001105077.4); c.359G>A, p.Arg120His (NM_001105078.4, NM_001163999.2, NM_001164000.2 and 9 more transcripts); c.923G>A, p.Arg308His (NM_001366466.2, NM_001366473.2); short protein forms R184H, R308H, R120H.
Identifiers: ClinVar variation 2065222 (VCV002065222.6), dbSNP rs147788700, ClinGen allele CA2696431.
Genomic context (GRCh38, chr3:169,122,635, plus strand): 5'-TGTACCTTGGCACAGTTTTCACATTCATAGTGCTTTCCACTGTCATGTGACATCTGGTGG[C>T]GAATTAAATTGGACTTCCAGTTAAATGCCTTGGGACACTGATCACACTTGTATTCCCTCT-3'
Protein context (NP_004982.2, residues 298-318): KAFNWKSNLI[Arg308His]HQMSHDSGKH

ClinVar aggregate classification (germline): Uncertain significance. Review status: criteria provided, multiple submitters, no conflicts (2 of 4 stars). 2 submissions from 2 submitters: Uncertain significance (2). Last evaluated 2025-10-21.

Conditions:
Inborn genetic diseases. Identifiers: MedGen C0950123, MeSH D030342.

Allele frequency attached by ClinVar (database versions not stated): gnomAD 0.00001; TOPMed 0.00002; ExAC 0.00008; ESP Exome Variant Server 0.00008.
gnomAD v4.1: 36 of 1,613,830 alleles (0.0022%); highest among the groups gnomAD compares: South Asian, 0.018%; no homozygotes.

Submissions (2):

Labcorp Genetics (formerly Invitae), Labcorp
Classification: Uncertain significance. Last evaluated: 2025-10-21. Review status: criteria provided, single submitter. Criteria: Invitae Variant Classification Sherloc (09022015). Collection method: clinical testing. Allele origin: germline.
Comment: This sequence change replaces arginine, which is basic and polar, with histidine, which is basic and polar, at codon 120 of the MECOM protein (p.Arg120His). This variant is present in population databases (rs147788700, gnomAD 0.03%). This variant has not been reported in the literature in individuals affected with MECOM-related conditions. ClinVar contains an entry for this variant (Variation ID: 2065222). An algorithm developed to predict the effect of missense changes on protein structure and function (PolyPhen-2) suggests that this variant is likely to be disruptive. In summary, the available evidence is currently insufficient to determine the role of this variant in disease. Therefore, it has been classified as a Variant of Uncertain Significance.

Ambry Genetics
Classification: Uncertain significance for Inborn genetic diseases. Last evaluated: 2025-02-11. Review status: criteria provided, single submitter. Criteria: Ambry Variant Classification Scheme 2023. Collection method: clinical testing. Allele origin: germline.